The following is an entry in ClinVar:

NM_000238.4(KCNH2):c.637G>A (p.Asp213Asn)

Gene: KCNH2 (potassium voltage-gated channel subfamily H member 2; minus strand). Cytogenetic location: 7q36.1.
Variant type: single nucleotide variant.
Coding change: c.637G>A on transcript NM_000238.4 (MANE Select); coding-DNA position 637, G replaced by A.
Protein change: p.Asp213Asn; replaces aspartic acid 213 with asparagine.
Molecular consequence: missense variant. On other transcripts: non-coding transcript variant (1).
Genome position (GRCh38, 1-based): chr7:150,958,338, C>T on the plus strand (G>A on the coding strand, the complement: KCNH2 is on the minus strand). VCF-style: chr7-150958338-C-T. GRCh37 (hg19) VCF-style: chr7-150655426-C-T.
Other names: c.349G>A, p.Asp117Asn (NM_001406753.1, NM_001406756.1); c.460G>A, p.Asp154Asn (NM_001406755.1); c.337G>A, p.Asp113Asn (NM_001406757.1); c.637G>A, p.Asp213Asn (NM_172056.3); short protein forms D117N, D213N, D154N, D113N.
Identifiers: ClinVar variation 5022983 (VCV005022983.1).
Genomic context (GRCh38, chr7:150,958,338, plus strand): 5'-CACGCCGCTCCTCCGCGGGCCCGAGCCCTGCCACGTGGTTGTCCATGGCTGTCACTTCGT[C>T]CAGGGCCAGCGACTCGCTGCTGGGTGCCGCGGGCGTCAGGTCCACGTCCACCACCACGGC-3'
Protein context (NP_000229.1, residues 203-223): AAPSSESLAL[Asp213Asn]EVTAMDNHVA

ClinVar aggregate classification (germline): Uncertain significance (1 of 4 stars; one submission).

Conditions:
Cardiovascular phenotype. Identifiers: MedGen CN230736.

Submission:

Ambry Genetics
Classification: Uncertain significance for Cardiovascular phenotype. Last evaluated: 2026-07-28. Review status: criteria provided, single submitter. Criteria: Ambry Variant Classification Scheme 2023. Collection method: clinical testing. Allele origin: germline.
Comment: The p.D213N variant (also known as c.637G>A), located in coding exon 4 of the KCNH2 gene, results from a G to A substitution at nucleotide position 637. The aspartic acid at codon 213 is replaced by asparagine, an amino acid with highly similar properties. This amino acid position is conserved. In addition, the in silico prediction for this alteration is inconclusive. Based on the available evidence, the clinical significance of this variant remains unclear.